The following is an entry in ClinVar:

NM_152384.3(BBS5):c.887C>T (p.Thr296Met)

Gene: BBS5 (Bardet-Biedl syndrome 5; plus strand). Cytogenetic location: 2q31.1.
Variant type: single nucleotide variant.
Coding change: c.887C>T on transcript NM_152384.3 (MANE Select); coding-DNA position 887, C replaced by T.
Protein change: p.Thr296Met; replaces threonine 296 with methionine.
Molecular consequence: missense variant.
Genome position (GRCh38, 1-based): chr2:169,503,165, C>T. VCF-style: chr2-169503165-C-T. GRCh37 (hg19) VCF-style: chr2-170359675-C-T.
Other names: c.887C>T (NM_152384.2); short protein forms T296M.
Identifiers: ClinVar variation 1525262 (VCV001525262.8), dbSNP rs755594935, ClinGen allele CA1956351.

ClinVar aggregate classification (germline): Uncertain significance. Review status: criteria provided, multiple submitters, no conflicts (2 of 4 stars). 3 submissions from 3 submitters: Uncertain significance (3). Last evaluated 2025-01-29.

Conditions:
Bardet-Biedl syndrome (BBS). Identifiers: Orphanet 110, MedGen C0752166, MONDO:0015229.
BBS5-related disorder. Also called: BBS5-related condition.
Inborn genetic diseases. Identifiers: MedGen C0950123, MeSH D030342.

Allele frequency attached by ClinVar (database versions not stated): ExAC 0.00002; gnomAD exomes 0.00002 and 0.00001; gnomAD 0.00001; TOPMed 0.00001.
gnomAD v4.1: 10 of 1,612,526 alleles (0.00062%); highest among the groups gnomAD compares: South Asian, 0.0055%; no homozygotes.

Submissions (3):

PreventionGenetics, part of Exact Sciences
Classification: Uncertain significance for BBS5-related condition. Last evaluated: 2025-01-29. Review status: criteria provided, single submitter. Criteria: ACMG Guidelines, 2015. Collection method: clinical testing. Allele origin: germline.
Comment: The BBS5 c.887C>T variant is predicted to result in the amino acid substitution p.Thr296Met. To our knowledge, this variant has not been reported in the literature. This variant is reported in 0.013% of alleles in individuals of South Asian descent in gnomAD. At this time, the clinical significance of this variant is uncertain due to the absence of conclusive functional and genetic evidence.

Labcorp Genetics (formerly Invitae), Labcorp
Classification: Uncertain significance for Bardet-Biedl syndrome. Last evaluated: 2025-01-06. Review status: criteria provided, single submitter. Criteria: Invitae Variant Classification Sherloc (09022015). Collection method: clinical testing. Allele origin: germline.
Comment: This sequence change replaces threonine, which is neutral and polar, with methionine, which is neutral and non-polar, at codon 296 of the BBS5 protein (p.Thr296Met). This variant is present in population databases (rs755594935, gnomAD 0.01%). This variant has not been reported in the literature in individuals affected with BBS5-related conditions. ClinVar contains an entry for this variant (Variation ID: 1525262). Invitae Evidence Modeling of protein sequence and biophysical properties (such as structural, functional, and spatial information, amino acid conservation, physicochemical variation, residue mobility, and thermodynamic stability) indicates that this missense variant is not expected to disrupt BBS5 protein function with a negative predictive value of 80%. In summary, the available evidence is currently insufficient to determine the role of this variant in disease. Therefore, it has been classified as a Variant of Uncertain Significance.

Ambry Genetics
Classification: Uncertain significance for Inborn genetic diseases. Last evaluated: 2024-10-08. Review status: criteria provided, single submitter. Criteria: Ambry Variant Classification Scheme 2023. Collection method: clinical testing. Allele origin: germline.